The following is an entry in ClinVar:

NM_000256.3(MYBPC3):c.1602_1603del (p.Leu535fs)

Gene: MYBPC3 (myosin binding protein C3; minus strand). Cytogenetic location: 11p11.2.
Variant type: Microsatellite.
Coding change: c.1602_1603del on transcript NM_000256.3 (MANE Select); coding-DNA positions 1602 to 1603, 2 bases deleted (GC; older notation c.1602_1603delGC).
Protein change: p.Leu535fs; shifts the reading frame from leucine 535.
Molecular consequence: frameshift variant.
Genome position (GRCh38, 1-based): chr11:47,342,599-47,342,600, GC deleted on the plus strand (GC on the coding strand, the reverse complement: MYBPC3 is on the minus strand); deleting any 2 consecutive bases within chr11:47,342,599-47,342,602 gives the same sequence; the c. name uses the placement nearest the transcript's 3' end. VCF-style (leftmost placement, unchanged base first): chr11-47342598-AGC-A. GRCh37 (hg19) VCF-style: chr11-47364149-AGC-A.
Other names: short protein forms L535fs.
Identifiers: ClinVar variation 3767994 (VCV003767994.2).
Genomic context (GRCh38, chr11:47,342,598, plus strand): 5'-CAAGCCCTAAAGCCTCATGTGCCCCCCCAGCCAGGCTCACCCTGCACAATGAGCTCAGCC[AGC>A]GCCTGGCCCCCGCTAGTGCACAGTGCATAGTGCCCCGCGTCCTCCAGCATGGCCTCGTTG-3'

ClinVar aggregate classification (germline): Pathogenic/Likely pathogenic. Review status: criteria provided, multiple submitters, no conflicts (2 of 4 stars). 2 submissions from 2 submitters: Pathogenic (1); Likely pathogenic (1). Last evaluated 2024-08-13.

Conditions:
Primary familial hypertrophic cardiomyopathy (HCM). Identifiers: Orphanet 99739, MedGen C0949658, MeSH D024741, MONDO:0024573. Inheritance: Various modes of inheritance.
MYBPC3-related disorder. Also called: MYBPC3-related disorders; MYBPC3-related condition; MYBPC3-related disease.

Submissions (2):

Clinical Genetics Laboratory, Skane University Hospital Lund
Classification: Pathogenic for Primary familial hypertrophic cardiomyopathy. Last evaluated: 2024-08-13. Review status: criteria provided, single submitter. Criteria: ACMG Guidelines, 2015. Collection method: clinical testing. Allele origin: germline. Affected: yes.
Comment: PVS1, PS4, PM2

Blueprint Genetics
Classification: Likely pathogenic for MYBPC3-related disorders. Last evaluated: 2018-05-24. Review status: criteria provided, single submitter. Criteria: ACMG Guidelines, 2015. Collection method: clinical testing. Allele origin: germline. Affected: yes. Observed: 1 variant allele.